The following is an entry in ClinVar:

ClinVar aggregate classification (germline): Likely benign (1 of 4 stars; one submission).

Submission:

CeGaT Center for Human Genetics Tuebingen
Classification: Likely benign. Last evaluated: 2025-10-01. Review status: criteria provided, single submitter. Criteria: CeGaT Center For Human Genetics Tuebingen Variant Classification Criteria Version 2. Collection method: clinical testing. Allele origin: germline. Affected: yes. Observed: 1 variant allele.
Comment: PRAMEF2: BP4, BP7

NM_023014.1(PRAMEF2):c.1068A>G (p.Leu356=)

Gene: PRAMEF2 (PRAME family member 2; plus strand). Cytogenetic location: 1p36.21.
Variant type: single nucleotide variant.
Coding change: c.1068A>G on transcript NM_023014.1 (MANE Select); coding-DNA position 1068, A replaced by G.
Protein change: p.Leu356=; no amino-acid change (leucine 356 retained).
Molecular consequence: synonymous variant.
Genome position (GRCh38, 1-based): chr1:12,861,422, A>G. VCF-style: chr1-12861422-A-G. GRCh37 (hg19) VCF-style: chr1-12921277-A-G.
Identifiers: ClinVar variation 4534077 (VCV004534077.6).
Genomic context (GRCh38, chr1:12,861,422, plus strand): 5'-TCTTGAACCCCTAGGAGCTCTGCTAGAGAAAATTGCTGCCTCTCTCGAGACCCTCGTGTT[A>G]GAGGGCTGTCAGATCCACTACTCCCAACTCAGTGCCATCCTGCCTGGCCTGAGCTGCTGC-3'
Protein context (NP_075390.1, residues 346-366): KIAASLETLV[Leu356=]EGCQIHYSQL